The following is an entry in ClinVar:

NM_000053.4(ATP7B):c.2335T>G (p.Trp779Gly)

Gene: ATP7B (ATPase copper transporting beta; minus strand). Cytogenetic location: 13q14.3.
Variant type: single nucleotide variant.
Coding change: c.2335T>G on transcript NM_000053.4 (MANE Select); coding-DNA position 2335, T replaced by G.
Protein change: p.Trp779Gly; replaces tryptophan 779 with glycine.
Molecular consequence: missense variant. On other transcripts: intron variant (2).
Genome position (GRCh38, 1-based): chr13:51,958,331, A>C on the plus strand (T>G on the coding strand, the complement: ATP7B is on the minus strand). VCF-style: chr13-51958331-A-C. GRCh37 (hg19) VCF-style: chr13-52532467-A-C.
Other names: c.2002T>G, p.Trp668Gly (NM_001243182.2); c.2083T>G, p.Trp695Gly (NM_001330579.2); c.1870-724T>G (NM_001005918.3); c.2122-724T>G (NM_001330578.2); short protein forms W779G, W668G, W695G.
Identifiers: ClinVar variation 557358 (VCV000557358.51), dbSNP rs751798708, ClinGen allele CA6989057.

ClinVar aggregate classification (germline): Pathogenic/Likely pathogenic. Review status: criteria provided, multiple submitters, no conflicts (2 of 4 stars). 7 submissions from 7 submitters: Pathogenic (2); Likely pathogenic (4). 1 of the submissions does not count toward it. Last evaluated 2025-09-26.

Conditions:
Wilson disease (WND). Also called: Wilson's disease. Identifiers: Orphanet 905, MedGen C0019202, MONDO:0010200, OMIM 277900. Disease mechanism: loss of function.

Allele frequency attached by ClinVar (database versions not stated): gnomAD exomes below 0.00001; ExAC 0.00001; gnomAD 0.00001; TOPMed 0.00001.

Submissions (7):

Labcorp Genetics (formerly Invitae), Labcorp
Classification: Pathogenic for Wilson disease. Last evaluated: 2025-09-26. Review status: criteria provided, single submitter. Criteria: Invitae Variant Classification Sherloc (09022015). Collection method: clinical testing. Allele origin: germline.
Comment: This sequence change replaces tryptophan, which is neutral and slightly polar, with glycine, which is neutral and non-polar, at codon 779 of the ATP7B protein (p.Trp779Gly). This variant is present in population databases (rs751798708, gnomAD 0.0009%). This missense change has been observed in individual(s) with Wilson disease (PMID: 22763723, 23159873, 24794161). ClinVar contains an entry for this variant (Variation ID: 557358). Invitae Evidence Modeling of protein sequence and biophysical properties (such as structural, functional, and spatial information, amino acid conservation, physicochemical variation, residue mobility, and thermodynamic stability) indicates that this missense variant is expected to disrupt ATP7B protein function with a positive predictive value of 80%. For these reasons, this variant has been classified as Pathogenic.

Natera, Inc.
Classification: Likely pathogenic for Wilson disease. Last evaluated: 2025-01-16. Review status: criteria provided, single submitter. Criteria: Natera Variant Classification Schema (03/2026). Collection method: clinical testing. Allele origin: germline.
Comment: The c.2335T>G variant in ATP7B is a missense variant predicted to cause substitution of tryptophan to glycine at amino acid 779. This variant is rare in the general population with a frequency below the threshold expected for the associated phenotype(s). This variant has been observed in one or more individuals affected with the associated recessive disease, as either homozygous or compound heterozygous with a second variant (PMID: 24003324, 23518715, 22763723, 33640437). This variant has been observed to segregate in affected family members (PMID: 24734161). This variant has been identified in one or more affected individual with a phenotype highly consistent with the associated gene (PMID: 24003324). Computational prediction algorithms indicate this variant is likely to affect gene or protein function. Given the available evidence, this variant is classified as Likely Pathogenic.

Revvity Omics, Revvity
Classification: Likely pathogenic for Wilson disease. Last evaluated: 2024-04-25. Review status: criteria provided, single submitter. Criteria: ACMG Guidelines, 2015. Collection method: clinical testing. Allele origin: germline.

Baylor Genetics
Classification: Pathogenic for Wilson disease. Last evaluated: 2023-12-19. Review status: criteria provided, single submitter. Criteria: ACMG Guidelines, 2015. Collection method: clinical testing. Allele origin: unknown.

All of Us Research Program, National Institutes of Health
Classification: Likely pathogenic for Wilson disease. Last evaluated: 2023-10-02. Review status: criteria provided, single submitter. Criteria: ACMG Guidelines, 2015. Collection method: clinical testing. Allele origin: germline. Inheritance: Autosomal recessive inheritance. Observed: 1 variant allele, 1 heterozygote.
Comment: This missense variant replaces tryptophan with glycine at codon 779 of the ATP7B protein. Computational prediction suggests that this variant may have deleterious impact on protein structure and function (internally defined REVEL score threshold >= 0.7, PMID: 27666373). Although functional studies have not been reported for this variant, it alters a conserved tryptophan residue in the transmembrane M2 domain of the ATP7B protein (a.a. 764 - 784), a highly conserved region that is considered to be important for ATP7B protein function (PMID: 35245129; ClinVar). This variant has been observed in individuals affected with autosomal recessive Wilson disease (PMID: 22763723, 23159873, 23518715, 24003324, 24734161, 25365615), including in at least two individuals in the compound heterozygous state with a second pathogenic ATP7B variant (PMID: 22763723, 23159873) and in multiple individuals in the homozygous state with confirmation or suspicion of parental consanguinity (PMID: 23518715, 24003324, 24734161, 25365615). This variant has not been identified in the general population by the Genome Aggregation Database (gnomAD). Based on the available evidence, this variant is classified as Likely Pathogenic.

This study involves interpretation of variants in research participants for the purpose of population health screening. Participant phenotype was not available at the time of variant classification. Additional details can be found in publication PMID: 35346344, PMCID: PMC8962531

CeGaT Center for Human Genetics Tuebingen
Classification: Likely pathogenic. Last evaluated: 2019-07-01. Review status: criteria provided, single submitter. Criteria: CeGaT Center For Human Genetics Tuebingen Variant Classification Criteria Version 2. Collection method: clinical testing. Allele origin: germline. Affected: yes. Observed: 1 variant allele.

Counsyl
Classification: Likely pathogenic for Wilson disease. Last evaluated: 2018-03-20. Review status: no assertion criteria provided. Collection method: clinical testing. Allele origin: unknown. Not counted in ClinVar's aggregate classification.

Literature cited by the submitters: PubMed 22763723 (cited by 4 submitters); PubMed 23159873 (cited by 3 submitters); PubMed 24794161 (cited by Labcorp Genetics (formerly Invitae), Labcorp); PubMed 24003324 (cited by 3 submitters); PubMed 23518715 (cited by 3 submitters); PubMed 33640437 (cited by Natera, Inc.); PubMed 24734161 (cited by Natera, Inc. and All of Us Research Program, National Institutes of Health); PubMed 25365615 (cited by All of Us Research Program, National Institutes of Health); PubMed 35245129 (cited by All of Us Research Program, National Institutes of Health).